The following is an entry in ClinVar:

NM_001355263.2(NUTM2E):c.1697T>C (p.Ile566Thr)

Gene: NUTM2E (NUT family member 2E; plus strand). Cytogenetic location: 10q22.3.
Variant type: single nucleotide variant.
Coding change: c.1697T>C on transcript NM_001355263.2 (MANE Select); coding-DNA position 1697, T replaced by C.
Protein change: p.Ile566Thr; replaces isoleucine 566 with threonine.
Molecular consequence: missense variant.
Genome position (GRCh38, 1-based): chr10:79,848,858, T>C. VCF-style: chr10-79848858-T-C. GRCh37 (hg19) VCF-style: chr10-81608614-T-C.
Other names: short protein forms I566T.
Identifiers: ClinVar variation 2640651 (VCV002640651.24), dbSNP rs766237452, ClinGen allele CA5574889.

ClinVar aggregate classification (germline): Likely benign (1 of 4 stars; one submission).

Allele frequency attached by ClinVar (database versions not stated): 1000 Genomes Project 30x 0.00078; gnomAD 0.00273; ExAC 0.02100.

Submission:

CeGaT Center for Human Genetics Tuebingen
Classification: Likely benign. Last evaluated: 2023-03-01. Review status: criteria provided, single submitter. Criteria: CeGaT Center For Human Genetics Tuebingen Variant Classification Criteria Version 2. Collection method: clinical testing. Allele origin: germline. Affected: yes. Observed: 1 variant allele.
Comment: NUTM2E: BP4, BS2